The following is an entry in ClinVar:

NM_001278182.2(EOMES):c.378C>G (p.Ala126=)

Genes: EOMES (eomesodermin; minus strand), LOC129936390 (ATAC-STARR-seq lymphoblastoid silent region 14153; plus strand). Cytogenetic location: 3p24.1.
Variant type: single nucleotide variant.
Coding change: c.378C>G on transcript NM_001278182.2 (MANE Select); coding-DNA position 378, C replaced by G.
Protein change: p.Ala126=; no amino-acid change (alanine 126 retained).
Molecular consequence: synonymous variant. On other transcripts: intron variant (1).
Genome position (GRCh38, 1-based): chr3:27,721,917, G>C on the plus strand (C>G on the coding strand, the complement: EOMES is on the minus strand). VCF-style: chr3-27721917-G-C. GRCh37 (hg19) VCF-style: chr3-27763408-G-C.
Other names: c.378C>G, p.Ala126= (NM_005442.4); c.-5+513C>G (NM_001278183.2).
Identifiers: ClinVar variation 2653639 (VCV002653639.24), dbSNP rs978035459, ClinGen allele CA433058381.

ClinVar aggregate classification (germline): Likely benign (1 of 4 stars; one submission).

gnomAD v4.1: 1 of 1,240,862 alleles (0.000081%); highest among the groups gnomAD compares: Middle Eastern, 0.03%; no homozygotes.

Submission:

CeGaT Center for Human Genetics Tuebingen
Classification: Likely benign. Last evaluated: 2023-03-01. Review status: criteria provided, single submitter. Criteria: CeGaT Center For Human Genetics Tuebingen Variant Classification Criteria Version 2. Collection method: clinical testing. Allele origin: germline. Affected: yes. Observed: 1 variant allele.
Comment: EOMES: PM2:Supporting, BP4, BP7